The following is an entry in ClinVar:

NM_020297.4(ABCC9):c.2522C>T (p.Ala841Val)

Gene: ABCC9 (ATP binding cassette subfamily C member 9; minus strand). Cytogenetic location: 12p12.1.
Variant type: single nucleotide variant.
Coding change: c.2522C>T on transcript NM_020297.4 (MANE Select); coding-DNA position 2522, C replaced by T.
Protein change: p.Ala841Val; replaces alanine 841 with valine.
Molecular consequence: missense variant.
Genome position (GRCh38, 1-based): chr12:21,852,489, G>A on the plus strand (C>T on the coding strand, the complement: ABCC9 is on the minus strand). VCF-style: chr12-21852489-G-A. GRCh37 (hg19) VCF-style: chr12-22005423-G-A.
Other names: c.2522C>T, p.Ala841Val (NM_001377273.1, NM_005691.4); c.1655C>T, p.Ala552Val (NM_001377274.1); short protein forms A841V, A552V.
Identifiers: ClinVar variation 464660 (VCV000464660.6), dbSNP rs1555189354, ClinGen allele CA384125805.

ClinVar aggregate classification (germline): Uncertain significance (1 of 4 stars; one submission).

Conditions:
Dilated cardiomyopathy 1O (CMD1O). Also called: CARDIOMYOPATHY, DILATED, WITH VENTRICULAR TACHYCARDIA. Identifiers: Orphanet 154, MedGen C1837839, MONDO:0012062, OMIM 608569.

Submission:

Labcorp Genetics (formerly Invitae), Labcorp
Classification: Uncertain significance for Dilated cardiomyopathy 1O. Last evaluated: 2024-02-18. Review status: criteria provided, single submitter. Criteria: Invitae Variant Classification Sherloc (09022015). Collection method: clinical testing. Allele origin: germline.
Comment: This sequence change replaces alanine, which is neutral and non-polar, with valine, which is neutral and non-polar, at codon 841 of the ABCC9 protein (p.Ala841Val). This variant is not present in population databases (gnomAD no frequency). This variant has not been reported in the literature in individuals affected with ABCC9-related conditions. ClinVar contains an entry for this variant (Variation ID: 464660). Advanced modeling of protein sequence and biophysical properties (such as structural, functional, and spatial information, amino acid conservation, physicochemical variation, residue mobility, and thermodynamic stability) performed at Invitae indicates that this missense variant is expected to disrupt ABCC9 protein function with a positive predictive value of 95%. In summary, the available evidence is currently insufficient to determine the role of this variant in disease. Therefore, it has been classified as a Variant of Uncertain Significance.